The following is an entry in ClinVar:

ClinVar aggregate classification (germline): Uncertain significance (1 of 4 stars; one submission).

Conditions:
Neurofibromatosis, type 1 (NF1). Also called: Neurofibromatosis, type I; NEUROFIBROMATOSIS, TYPE I, SOMATIC; Peripheral type neurofibromatosis; VON RECKLINGHAUSEN DISEASE. Identifiers: Orphanet 636, MedGen C0027831, MONDO:0018975, OMIM 162200. Disease mechanism: loss of function.

Submission:

Labcorp Genetics (formerly Invitae), Labcorp
Classification: Uncertain significance for Neurofibromatosis, type 1. Last evaluated: 2023-05-22. Review status: criteria provided, single submitter. Criteria: Invitae Variant Classification Sherloc (09022015). Collection method: clinical testing. Allele origin: germline.
Comment: In summary, the available evidence is currently insufficient to determine the role of this variant in disease. Therefore, it has been classified as a Variant of Uncertain Significance. Advanced modeling of protein sequence and biophysical properties (such as structural, functional, and spatial information, amino acid conservation, physicochemical variation, residue mobility, and thermodynamic stability) performed at Invitae indicates that this missense variant is not expected to disrupt NF1 protein function. This variant has not been reported in the literature in individuals affected with NF1-related conditions. This variant is not present in population databases (gnomAD no frequency). This sequence change replaces glutamine, which is neutral and polar, with arginine, which is basic and polar, at codon 11 of the NF1 protein (p.Gln11Arg).

NM_001042492.3(NF1):c.32A>G (p.Gln11Arg)

Genes: NF1 (neurofibromin 1; plus strand), MIR4733HG (MIR4733 host gene; minus strand), LOC111811965 (NF1 (neurofibromin 1) promoter region; plus strand). Cytogenetic location: 17q11.2.
Variant type: single nucleotide variant.
Coding change: c.32A>G on transcript NM_001042492.3 (MANE Select); coding-DNA position 32, A replaced by G.
Protein change: p.Gln11Arg; replaces glutamine 11 with arginine.
Molecular consequence: missense variant. On other transcripts: non-coding transcript variant (1).
Genome position (GRCh38, 1-based): chr17:31,095,341, A>G. VCF-style: chr17-31095341-A-G. GRCh37 (hg19) VCF-style: chr17-29422359-A-G.
Other names: c.32A>G, p.Gln11Arg (NM_000267.4, NM_001128147.3); short protein forms Q11R.
Identifiers: ClinVar variation 2866961 (VCV002866961.3), dbSNP rs2143145095, ClinGen allele CA398979294.